The following is an entry in ClinVar:

NM_003344.4(UBE2H):c.336A>G (p.Leu112=)

Genes: UBE2H (ubiquitin conjugating enzyme E2 H; minus strand), LOC126860174 (CDK7 strongly-dependent group 2 enhancer GRCh37_chr7:129478138-129479337; plus strand). Cytogenetic location: 7q32.2.
Variant type: single nucleotide variant.
Coding change: c.336A>G on transcript NM_003344.4 (MANE Select); coding-DNA position 336, A replaced by G.
Protein change: p.Leu112=; no amino-acid change (leucine 112 retained).
Molecular consequence: synonymous variant.
Genome position (GRCh38, 1-based): chr7:129,839,298, T>C on the plus strand (A>G on the coding strand, the complement: UBE2H is on the minus strand). VCF-style: chr7-129839298-T-C. GRCh37 (hg19) VCF-style: chr7-129479138-T-C.
Other names: c.126A>G, p.Leu42= (NM_001202498.2); c.243A>G, p.Leu81= (NM_182697.3).
Identifiers: ClinVar variation 3056240 (VCV003056240.2), dbSNP rs12539800, ClinGen allele CA4481484.

ClinVar aggregate classification (germline): Benign (0 of 4 stars; one submission).

Conditions:
UBE2H-related disorder. Also called: UBE2H-related condition.

Allele frequency attached by ClinVar (database versions not stated): 1000 Genomes Project 30x 0.04279; 1000 Genomes Project 0.04293; TOPMed 0.05930; gnomAD 0.06350; ExAC 0.06468; ESP Exome Variant Server 0.06912.
gnomAD v4.1: 128,692 of 1,613,644 alleles (8%); highest among the groups gnomAD compares: Non-Finnish European, 9.3%; 5,717 homozygotes.

Submission:

PreventionGenetics, part of Exact Sciences
Classification: Benign for UBE2H-related condition. Last evaluated: 2019-03-06. Review status: no assertion criteria provided. Collection method: clinical testing. Allele origin: germline.
Comment: This variant is classified as benign based on ACMG/AMP sequence variant interpretation guidelines (Richards et al. 2015 PMID: 25741868, with internal and published modifications).